The following is an entry in ClinVar:

ClinVar aggregate classification (germline): Uncertain significance (1 of 4 stars; one submission).

Allele frequency attached by ClinVar (database versions not stated): gnomAD 0.00001; gnomAD exomes 0.00001.
gnomAD v4.1: 10 of 1,613,954 alleles (0.00062%); highest among the groups gnomAD compares: Non-Finnish European, 0.00085%; no homozygotes.

Submission:

Ambry Genetics
Classification: Uncertain significance. Last evaluated: 2021-06-20. Review status: criteria provided, single submitter. Criteria: Ambry Variant Classification Scheme 2023. Collection method: clinical testing. Allele origin: germline.
Comment: The p.S1094Y variant (also known as c.3281C>A), located in coding exon 18 of the PALLD gene, results from a C to A substitution at nucleotide position 3281. The serine at codon 1094 is replaced by tyrosine, an amino acid with dissimilar properties. This amino acid position is conserved. In addition, this alteration is predicted to be deleterious by in silico analysis. Since supporting evidence is limited at this time, the clinical significance of this alteration remains unclear.

NM_001166108.2(PALLD):c.3332C>A (p.Ser1111Tyr)

Genes: CBR4 (carbonyl reductase 4; minus strand), PALLD (palladin, cytoskeletal associated protein; plus strand). Cytogenetic location: 4q32.3.
Variant type: single nucleotide variant.
Coding change: c.3332C>A on transcript NM_001166108.2 (MANE Select); coding-DNA position 3332, C replaced by A.
Protein change: p.Ser1111Tyr; replaces serine 1111 with tyrosine.
Molecular consequence: missense variant.
Genome position (GRCh38, 1-based): chr4:168,925,052, C>A. VCF-style: chr4-168925052-C-A. GRCh37 (hg19) VCF-style: chr4-169846203-C-A.
Other names: c.2135C>A, p.Ser712Tyr (NM_001166109.2); c.1820C>A, p.Ser607Tyr (NM_001166110.2); c.1160C>A, p.Ser387Tyr (NM_001367567.1, NM_001367569.1); c.1211C>A, p.Ser404Tyr (NM_001367568.1, NM_001367570.1); c.3281C>A, p.Ser1094Tyr (NM_016081.4); short protein forms S1094Y, S404Y, S712Y, S1111Y, S387Y, S607Y.
Identifiers: ClinVar variation 1729741 (VCV001729741.2), dbSNP rs1175390421, ClinGen allele CA358714273.